The following is an entry in ClinVar:

NM_004211.5(SLC6A5):c.1280C>T (p.Thr427Met)

Gene: SLC6A5 (solute carrier family 6 member 5; plus strand). Cytogenetic location: 11p15.1.
Variant type: single nucleotide variant.
Coding change: c.1280C>T on transcript NM_004211.5 (MANE Select); coding-DNA position 1280, C replaced by T.
Protein change: p.Thr427Met; replaces threonine 427 with methionine.
Molecular consequence: missense variant.
Genome position (GRCh38, 1-based): chr11:20,626,727, C>T. VCF-style: chr11-20626727-C-T. GRCh37 (hg19) VCF-style: chr11-20648273-C-T.
Other names: c.578C>T, p.Thr193Met (NM_001318369.2); c.1280C>T (NM_004211.3); short protein forms T427M, T193M.
Identifiers: ClinVar variation 1521487 (VCV001521487.6), dbSNP rs1421208814, ClinGen allele CA379916913.

ClinVar aggregate classification (germline): Uncertain significance. Review status: criteria provided, multiple submitters, no conflicts (2 of 4 stars). 2 submissions from 2 submitters: Uncertain significance (2). Last evaluated 2024-04-04.

Conditions:
Hyperekplexia 3 (HKPX3). Also called: HYPEREKPLEXIA 3, AUTOSOMAL RECESSIVE; HYPEREKPLEXIA 3, AUTOSOMAL DOMINANT. Identifiers: Orphanet 3197, MedGen C3553288, MONDO:0013827, OMIM 614618.
Inborn genetic diseases. Identifiers: MedGen C0950123, MeSH D030342.

Allele frequency attached by ClinVar (database versions not stated): gnomAD 0.00001; gnomAD exomes 0.00001.
gnomAD v4.1: 11 of 1,613,986 alleles (0.00068%); highest among the groups gnomAD compares: Admixed American, 0.0033%; no homozygotes.

Submissions (2):

Ambry Genetics
Classification: Uncertain significance for Inborn genetic diseases. Last evaluated: 2024-04-04. Review status: criteria provided, single submitter. Criteria: Ambry Variant Classification Scheme 2023. Collection method: clinical testing. Allele origin: germline.

Labcorp Genetics (formerly Invitae), Labcorp
Classification: Uncertain significance for Hyperekplexia 3. Last evaluated: 2022-07-12. Review status: criteria provided, single submitter. Criteria: Invitae Variant Classification Sherloc (09022015). Collection method: clinical testing. Allele origin: germline.
Comment: This sequence change replaces threonine, which is neutral and polar, with methionine, which is neutral and non-polar, at codon 427 of the SLC6A5 protein (p.Thr427Met). This variant is present in population databases (no rsID available, gnomAD 0.006%). This variant has not been reported in the literature in individuals affected with SLC6A5-related conditions. ClinVar contains an entry for this variant (Variation ID: 1521487). Algorithms developed to predict the effect of missense changes on protein structure and function are either unavailable or do not agree on the potential impact of this missense change (SIFT: "Deleterious"; PolyPhen-2: "Probably Damaging"; Align-GVGD: "Class C15"). In summary, the available evidence is currently insufficient to determine the role of this variant in disease. Therefore, it has been classified as a Variant of Uncertain Significance.